The following is an entry in ClinVar:

NM_000161.3(GCH1):c.233del (p.Ile78fs)

Gene: GCH1 (GTP cyclohydrolase 1; minus strand). Cytogenetic location: 14q22.2.
Variant type: Deletion.
Coding change: c.233del on transcript NM_000161.3 (MANE Select); coding-DNA position 233, one base deleted (T; older notation c.233delT).
Protein change: p.Ile78fs; shifts the reading frame from isoleucine 78.
Molecular consequence: frameshift variant.
Genome position (GRCh38, 1-based): chr14:54,902,431, A deleted on the plus strand (T on the coding strand, the reverse complement: GCH1 is on the minus strand). VCF-style (leftmost placement, unchanged base first): chr14-54902430-GA-G. GRCh37 (hg19) VCF-style: chr14-55369148-GA-G.
Other names: c.233del, p.Ile78fs (NM_001024024.2, NM_001024070.2, NM_001024071.2); short protein forms I78fs.
Identifiers: ClinVar variation 2137592 (VCV002137592.4), dbSNP rs61762303, ClinGen allele CA260531748.
Genomic context (GRCh38, chr14:54,902,430, plus strand): 5'-CGCCCTCCAGGGCGTCTTGAGCAGCCCTTGCCGCTGGGGGTTCTCGCCCAGCGAGCTCAG[GA>G]TGGACGAGTAGGCGGCTGCCAGGTTAGGGAGGTTCAGCTCGTTATCCTCCTCGCTGCGGG-3'

ClinVar aggregate classification (germline): Pathogenic (1 of 4 stars; one submission).

Conditions:
Dystonia 5 (DRD). Also called: GTP Cyclohydrolase 1-Deficient Dopa-Responsive Dystonia; Dystonia, DOPA-responsive, with or without hyperphenylalaninemia; DYT-GCH1; DYSTONIA, PROGRESSIVE, WITH DIURNAL VARIATION; DYSTONIA-PARKINSONISM WITH DIURNAL FLUCTUATION. Identifiers: Orphanet 98808, MedGen C1851920, MONDO:0007495, OMIM 128230.
GTP cyclohydrolase I deficiency. Identifiers: MedGen C0268467, MONDO:0100184.

Submission:

Labcorp Genetics (formerly Invitae), Labcorp
Classification: Pathogenic for GTP cyclohydrolase I deficiency; Dystonia 5. Last evaluated: 2022-02-24. Review status: criteria provided, single submitter. Criteria: Invitae Variant Classification Sherloc (09022015). Collection method: clinical testing. Allele origin: germline.
Comment: For these reasons, this variant has been classified as Pathogenic. This variant is also known as c.233delT; p.I78fsX79. This premature translational stop signal has been observed in individual(s) with dopa-responsive dystonia (PMID: 19566901). This variant is not present in population databases (gnomAD no frequency). This sequence change creates a premature translational stop signal (p.Ile78Thrfs*2) in the GCH1 gene. It is expected to result in an absent or disrupted protein product. Loss-of-function variants in GCH1 are known to be pathogenic (PMID: 9667588, 19332422, 19491146, 25557619).

Literature cited by the submitters: PubMed 19566901; PubMed 9667588; PubMed 19332422; PubMed 19491146; PubMed 25557619.